The following is an entry in ClinVar:

ClinVar aggregate classification (germline): Benign/Likely benign. Review status: criteria provided, multiple submitters, no conflicts (2 of 4 stars). 3 submissions from 3 submitters: Benign (1); Likely benign (2). Last evaluated 2026-01-28.

Conditions:
Early-infantile DEE. Also called: Early infantile epileptic encephalopathy with suppression bursts; Early infantile epileptic encephalopathy; Ohtahara syndrome. Identifiers: Orphanet 1934, MedGen C0393706, MONDO:0800491.

Allele frequency attached by ClinVar (database versions not stated): 1000 Genomes Project 0.00040; 1000 Genomes Project 30x 0.00047; ESP Exome Variant Server 0.00169; TOPMed 0.00182.
gnomAD v4.1: 4,640 of 1,613,916 alleles (0.29%); highest among the groups gnomAD compares: Non-Finnish European, 0.36%; 10 homozygotes.

Submissions (4):

Labcorp Genetics (formerly Invitae), Labcorp
Classification: Benign for Early-infantile DEE. Last evaluated: 2026-01-28. Review status: criteria provided, single submitter. Criteria: Invitae Variant Classification Sherloc (09022015). Collection method: clinical testing. Allele origin: germline.

Blueprint Genetics
Classification: Likely benign. Last evaluated: 2024-11-11. Review status: criteria provided, single submitter. Criteria: ACMG Guidelines, 2015. Collection method: clinical testing. Allele origin: germline.

CeGaT Center for Human Genetics Tuebingen
Classification: Likely benign. Last evaluated: 2022-03-01. Review status: criteria provided, single submitter. Criteria: CeGaT Center For Human Genetics Tuebingen Variant Classification Criteria Version 2. Collection method: clinical testing. Allele origin: germline. Affected: yes. Observed: 1 variant allele.
Comment: CACNA2D2: BP4

Dr. Peter K. Rogan Lab, Western University
No classification provided (evidence only). Condition: Clear cell carcinoma of kidney. Review status: no classification provided. Collection method: in vitro. Allele origin: not applicable. Functional consequence: retained intron. Not counted in ClinVar's aggregate classification.

NM_006030.4(CACNA2D2):c.1261-5C>A

Gene: CACNA2D2 (calcium voltage-gated channel auxiliary subunit alpha2delta 2; minus strand). Cytogenetic location: 3p21.31.
Variant type: single nucleotide variant.
Coding change: c.1261-5C>A on transcript NM_006030.4 (MANE Select); 5 bases into the intron before coding-DNA position 1261, C replaced by A.
Molecular consequence: intron variant.
Genome position (GRCh38, 1-based): chr3:50,378,998, G>T on the plus strand (C>A on the coding strand, the complement: CACNA2D2 is on the minus strand). VCF-style: chr3-50378998-G-T. GRCh37 (hg19) VCF-style: chr3-50416429-G-T.
Other names: c.1054-5C>A (NM_001291101.1); c.1261-5C>A (NM_001005505.3, NM_001174051.3).
Identifiers: ClinVar variation 416539 (VCV000416539.37), dbSNP rs201656322, ClinGen allele CA2418917.
Genomic context (GRCh38, chr3:50,378,998, plus strand): 5'-TGCAGCGGTGTGACGTCATAGTTATGCTGCCCCACGGAGAAAGTAAACACGCGCACCTGT[G>T]GGGGGTTTGAGGTTACTGCTGTGGCCACCAGGGGACAGCCCTCTTCTGTACTGGGCCCAG-3'